The following is an entry in ClinVar:

ClinVar aggregate classification (germline): Pathogenic (1 of 4 stars; one submission).

Conditions:
Inborn genetic diseases. Identifiers: MedGen C0950123, MeSH D030342.

Submission:

Ambry Genetics
Classification: Pathogenic for Inborn genetic diseases. Last evaluated: 2023-12-26. Review status: criteria provided, single submitter. Criteria: Ambry Variant Classification Scheme 2023. Collection method: clinical testing. Allele origin: germline.
Comment: The c.3594delA (p.E1199Rfs*119) alteration, located in exon 9 (coding exon 7) of the ANKRD11 gene, consists of a deletion of one nucleotide at position 3594, causing a translational frameshift with a predicted alternate stop codon after 119 amino acids. This alteration is expected to result in loss of function by premature protein truncation or nonsense-mediated mRNA decay. This variant was not reported in population-based cohorts in the Genome Aggregation Database (gnomAD). Based on the available evidence, this alteration is classified as pathogenic.

NM_013275.6(ANKRD11):c.3594del (p.Glu1199fs)

Gene: ANKRD11 (ankyrin repeat domain containing 11; minus strand). Cytogenetic location: 16q24.3.
Variant type: Deletion.
Coding change: c.3594del on transcript NM_013275.6 (MANE Select); coding-DNA position 3594, one base deleted (A; older notation c.3594delA).
Protein change: p.Glu1199fs; shifts the reading frame from glutamic acid 1199.
Molecular consequence: frameshift variant.
Genome position (GRCh38, 1-based): chr16:89,282,948, T deleted on the plus strand (A on the coding strand, the reverse complement: ANKRD11 is on the minus strand); the first of 6 consecutive T bases (chr16:89,282,948-89,282,953); deleting any one gives the same sequence. VCF-style (leftmost placement, unchanged base first): chr16-89282947-CT-C. GRCh37 (hg19) VCF-style: chr16-89349355-CT-C.
Other names: c.3594del, p.Glu1199fs (NM_001256182.2, NM_001256183.2); short protein forms E1199fs.
Identifiers: ClinVar variation 3122268 (VCV003122268.1), dbSNP rs2151754276, ClinGen allele CA497374683.
Genomic context (GRCh38, chr16:89,282,947, plus strand): 5'-CCTTGTACTTTTCTGTGGACTCTTTATCCTTCTTCTCCTTGTGCTTTTCAAAGACTTTCT[CT>C]TTTTTGTCTCTCCCCGCGTCGGCAGCCCCTCGGTCCTTTCTCCTGTCTCTGGGCTCCTTG-3'